The following is an entry in ClinVar:

ClinVar aggregate classification (germline): Uncertain significance (1 of 4 stars; one submission).

Conditions:
DNAH5-related disorder. Also called: DNAH5-related condition.

gnomAD v4.1: 1 of 1,614,106 alleles (0.000062%); highest among the groups gnomAD compares: Non-Finnish European, 0.000085%; no homozygotes.

Submission:

PreventionGenetics, part of Exact Sciences
Classification: Uncertain significance for DNAH5-related condition. Last evaluated: 2025-04-14. Review status: criteria provided, single submitter. Criteria: ACMG Guidelines, 2015. Collection method: clinical testing. Allele origin: germline.
Comment: The DNAH5 c.12221C>G variant is predicted to result in the amino acid substitution p.Ser4074Cys. To our knowledge, this variant has not been reported in the literature or in a large population database (gnomAD), indicating this variant is rare. At this time, the clinical significance of this variant is uncertain due to the absence of conclusive functional and genetic evidence.

NM_001369.3(DNAH5):c.12221C>G (p.Ser4074Cys)

Gene: DNAH5 (dynein axonemal heavy chain 5; minus strand). Cytogenetic location: 5p15.2.
Variant type: single nucleotide variant.
Coding change: c.12221C>G on transcript NM_001369.3 (MANE Select); coding-DNA position 12221, C replaced by G.
Protein change: p.Ser4074Cys; replaces serine 4074 with cysteine.
Molecular consequence: missense variant.
Genome position (GRCh38, 1-based): chr5:13,721,058, G>C on the plus strand (C>G on the coding strand, the complement: DNAH5 is on the minus strand). VCF-style: chr5-13721058-G-C. GRCh37 (hg19) VCF-style: chr5-13721167-G-C.
Other names: short protein forms S4074C.
Identifiers: ClinVar variation 4999073 (VCV004999073.1).